The following is an entry in ClinVar:

NM_000548.5(TSC2):c.2084A>G (p.Gln695Arg)

Gene: TSC2 (TSC complex subunit 2; plus strand). Cytogenetic location: 16p13.3.
Variant type: single nucleotide variant.
Coding change: c.2084A>G on transcript NM_000548.5 (MANE Select); coding-DNA position 2084, A replaced by G.
Protein change: p.Gln695Arg; replaces glutamine 695 with arginine.
Molecular consequence: missense variant.
Genome position (GRCh38, 1-based): chr16:2,071,921, A>G. VCF-style: chr16-2071921-A-G. GRCh37 (hg19) VCF-style: chr16-2121922-A-G.
Other names: c.2084A>G, p.Gln695Arg (NM_001077183.3, NM_001114382.3, NM_001363528.2 and 3 more transcripts); c.1973A>G, p.Gln658Arg (NM_001318827.2); c.1937A>G, p.Gln646Arg (NM_001318829.2); c.1484A>G, p.Gln495Arg (NM_001318831.2); c.2117A>G, p.Gln706Arg (NM_001318832.2); short protein forms Q646R, Q658R, Q695R, Q495R, Q706R.
Identifiers: ClinVar variation 820681 (VCV000820681.4), dbSNP rs1596345118, ClinGen allele CA394274706.
Genomic context (GRCh38, chr16:2,071,921, plus strand): 5'-CAGGCCCCGCCGTGCGGCTGGGGTCCGTGCCCTACTCCCTGCTCTTCCGCGTCCTGCTGC[A>G]GTGCTTGAAGCAGGTGAGTGGGGCCGGGCAGGGACCATCCGTCCCACGTTGGGCCAGGAG-3'
Protein context (NP_000539.2, residues 685-705): PYSLLFRVLL[Gln695Arg]CLKQESDWKV

ClinVar aggregate classification (germline): Uncertain significance (1 of 4 stars; one submission).

Conditions:
Hereditary cancer-predisposing syndrome. Also called: Neoplastic Syndromes, Hereditary; Tumor predisposition; Hereditary Cancer Syndrome; Hereditary neoplastic syndrome. Identifiers: Orphanet 140162, MedGen C0027672, MeSH D009386, MONDO:0015356.

Allele frequency attached by ClinVar (database versions not stated): gnomAD exomes below 0.00001.
gnomAD v4.1: 1 of 1,587,524 alleles (0.000063%); highest among the groups gnomAD compares: Non-Finnish European, 0.000086%; no homozygotes.

Submission:

Ambry Genetics
Classification: Uncertain significance for Hereditary cancer-predisposing syndrome. Last evaluated: 2019-11-22. Review status: criteria provided, single submitter. Criteria: Ambry Variant Classification Scheme 2023. Collection method: clinical testing. Allele origin: germline.
Comment: The p.Q695R variant (also known as c.2084A>G), located in coding exon 18 of the TSC2 gene, results from an A to G substitution at nucleotide position 2084. The glutamine at codon 695 is replaced by arginine, an amino acid with highly similar properties. This amino acid position is highly conserved in available vertebrate species. In addition, the in silico prediction for this alteration is inconclusive. Since supporting evidence is limited at this time, the clinical significance of this alteration remains unclear.